The following is an entry in ClinVar:

NM_000384.3(APOB):c.1124+3A>G

Gene: APOB (apolipoprotein B; minus strand). Cytogenetic location: 2p24.1.
Variant type: single nucleotide variant.
Coding change: c.1124+3A>G on transcript NM_000384.3 (MANE Select); 3 bases into the intron after coding-DNA position 1124, A replaced by G.
Molecular consequence: intron variant.
Genome position (GRCh38, 1-based): chr2:21,033,296, T>C on the plus strand (A>G on the coding strand, the complement: APOB is on the minus strand). VCF-style: chr2-21033296-T-C. GRCh37 (hg19) VCF-style: chr2-21256168-T-C.
Other names: p.?; c.1124+3A>G (NM_000384.2).
Identifiers: ClinVar variation 2068163 (VCV002068163.7), dbSNP rs371993628, ClinGen allele CA045823.

ClinVar aggregate classification (germline): Uncertain significance. Review status: criteria provided, multiple submitters, no conflicts (2 of 4 stars). 4 submissions from 4 submitters: Uncertain significance (4). Last evaluated 2024-08-24.

Conditions:
Cardiovascular phenotype. Identifiers: MedGen CN230736.
Familial hypobetalipoproteinemia 1. Also called: APOB-Related Familial Hypobetalipoproteinemia; Hypobetalipoproteinemia, normotriglyceridemic; Acanthocytosis with hypobetalipoproteinemia. Identifiers: MedGen C4551990, MONDO:0014252, OMIM 615558.
Hypercholesterolemia, autosomal dominant, type B (FHCL2). Also called: APOLIPOPROTEIN B-100, FAMILIAL DEFECTIVE; APOLIPOPROTEIN B-100, FAMILIAL LIGAND-DEFECTIVE; Hyperlipoproteinemia Type IIb; Familial hypercholesterolemia 2; Familial Hypercholesterolemia Type B; APOB-Related Familial Hypercholesterolemia, Autosomal Dominant. Identifiers: MedGen C1704417, MONDO:0007751, OMIM 144010.

Allele frequency attached by ClinVar (database versions not stated): TOPMed below 0.00001; ExAC 0.00001; gnomAD 0.00001; gnomAD exomes 0.00002; ESP Exome Variant Server 0.00008.

Submissions (4):

Ambry Genetics
Classification: Uncertain significance for Cardiovascular phenotype. Last evaluated: 2024-08-24. Review status: criteria provided, single submitter. Criteria: Ambry Variant Classification Scheme 2023. Collection method: clinical testing. Allele origin: germline.
Comment: The c.1124+3A>G intronic variant results from an A to G substitution 3 nucleotides after coding exon 9 in the APOB gene. This nucleotide position is well conserved in available vertebrate species. In silico splice site analysis predicts that this alteration will weaken the native splice donor site and may result in the creation or strengthening of a novel splice donor site. Based on the available evidence, the clinical significance of this variant remains unclear.

Mayo Clinic Laboratories, Mayo Clinic
Classification: Uncertain significance. Last evaluated: 2024-05-14. Review status: criteria provided, single submitter. Criteria: ACMG Guidelines, 2015. Collection method: clinical testing. Allele origin: germline. Observed: 1 variant allele.

Labcorp Genetics (formerly Invitae), Labcorp
Classification: Uncertain significance for Familial hypobetalipoproteinemia 1; Hypercholesterolemia, autosomal dominant, type B. Last evaluated: 2022-10-10. Review status: criteria provided, single submitter. Criteria: Invitae Variant Classification Sherloc (09022015). Collection method: clinical testing. Allele origin: germline.
Comment: In summary, the available evidence is currently insufficient to determine the role of this variant in disease. Therefore, it has been classified as a Variant of Uncertain Significance. Variants that disrupt the consensus splice site are a relatively common cause of aberrant splicing (PMID: 17576681, 9536098). Algorithms developed to predict the effect of sequence changes on RNA splicing suggest that this variant may disrupt the consensus splice site. This variant has not been reported in the literature in individuals affected with APOB-related conditions. This variant is present in population databases (rs371993628, gnomAD 0.0009%). This sequence change falls in intron 9 of the APOB gene. It does not directly change the encoded amino acid sequence of the APOB protein. It affects a nucleotide within the consensus splice site.

Blueprint Genetics
Classification: Uncertain significance. Last evaluated: 2021-01-20. Review status: criteria provided, single submitter. Criteria: ACMG Guidelines, 2015. Collection method: clinical testing. Allele origin: germline.

Literature cited by the submitters: PubMed 17576681 (cited by Labcorp Genetics (formerly Invitae), Labcorp); PubMed 9536098 (cited by Labcorp Genetics (formerly Invitae), Labcorp).